The following is an entry in ClinVar:

NM_178014.4(TUBB):c.506T>C (p.Val169Ala)

Gene: TUBB (tubulin beta class I; plus strand). Cytogenetic location: 6p21.33.
Variant type: single nucleotide variant.
Coding change: c.506T>C on transcript NM_178014.4 (MANE Select); coding-DNA position 506, T replaced by C.
Protein change: p.Val169Ala; replaces valine 169 with alanine.
Molecular consequence: missense variant. On other transcripts: intron variant (1).
Genome position (GRCh38, 1-based): chr6:30,723,568, T>C. VCF-style: chr6-30723568-T-C. GRCh37 (hg19) VCF-style: chr6-30691345-T-C.
Other names: c.566T>C, p.Val189Ala (NM_001293212.2); c.374T>C, p.Val125Ala (NM_001293214.2); c.290T>C, p.Val97Ala (NM_001293215.2, NM_001293216.2); c.369+137T>C (NM_001293213.2); short protein forms V125A, V169A, V189A, V97A.
Identifiers: ClinVar variation 1705480 (VCV001705480.1), dbSNP rs2536607462, ClinGen allele CA363146926.

ClinVar aggregate classification (germline): Uncertain significance (1 of 4 stars; one submission).

Conditions:
Complex cortical dysplasia with other brain malformations 6. Identifiers: MedGen C4014283, MONDO:0014341, OMIM 615771.

Submission:

3billion
Classification: Uncertain significance for Complex cortical dysplasia with other brain malformations 6. Last evaluated: 2022-09-01. Review status: criteria provided, single submitter. Criteria: ACMG Guidelines, 2015. Collection method: clinical testing. Allele origin: germline. Affected: yes. Observed: 1 heterozygote.
Comment: The variant is not observed in the gnomAD v2.1.1 dataset. Missense changes are a common disease-causing mechanism. In silico tool predictions suggest damaging effect of the variant on gene or gene product (REVEL: 0.87; 3Cnet: 0.99). Therefore, this variant is classified as uncertain significance according to the recommendation of ACMG/AMP guideline.